The following is an entry in ClinVar:

NM_001242896.3(DEPDC5):c.3011G>A (p.Arg1004His)

Gene: DEPDC5 (DEP domain containing 5, GATOR1 subcomplex subunit; plus strand). Cytogenetic location: 22q12.3.
Variant type: single nucleotide variant.
Coding change: c.3011G>A on transcript NM_001242896.3 (MANE Select); coding-DNA position 3011, G replaced by A.
Protein change: p.Arg1004His; replaces arginine 1004 with histidine.
Molecular consequence: missense variant. On other transcripts: non-coding transcript variant (5).
Genome position (GRCh38, 1-based): chr22:31,845,227, G>A. VCF-style: chr22-31845227-G-A. GRCh37 (hg19) VCF-style: chr22-32241213-G-A.
Other names: c.2984G>A, p.Arg995His (NM_001136029.4, NM_001369903.1, NM_014662.6); c.2777G>A, p.Arg926His (NM_001242897.2, NM_001363854.2, NM_001364319.2); c.3011G>A, p.Arg1004His (NM_001363852.2, NM_001364318.2, NM_001364320.2); c.2927G>A, p.Arg976His (NM_001369901.1, NM_001369902.1); short protein forms R976H, R995H, R1004H, R926H.
Identifiers: ClinVar variation 640021 (VCV000640021.11), dbSNP rs754059546, ClinGen allele CA10196843.

ClinVar aggregate classification (germline): Uncertain significance. Review status: criteria provided, multiple submitters, no conflicts (2 of 4 stars). 2 submissions from 2 submitters: Uncertain significance (2). Last evaluated 2025-12-01.

Conditions:
Familial focal epilepsy with variable foci (FPEVF). Identifiers: Orphanet 98820, MedGen C1858477, MONDO:0020310.

Allele frequency attached by ClinVar (database versions not stated): gnomAD exomes 0.00001 and 0.00003; TOPMed 0.00001; ExAC 0.00002.
gnomAD v4.1: 39 of 1,613,474 alleles (0.0024%); highest among the groups gnomAD compares: Middle Eastern, 0.016%; no homozygotes.

Submissions (2):

Labcorp Genetics (formerly Invitae), Labcorp
Classification: Uncertain significance for Familial focal epilepsy with variable foci. Last evaluated: 2025-12-01. Review status: criteria provided, single submitter. Criteria: Invitae Variant Classification Sherloc (09022015). Collection method: clinical testing. Allele origin: germline.
Comment: This sequence change replaces arginine, which is basic and polar, with histidine, which is basic and polar, at codon 1004 of the DEPDC5 protein (p.Arg1004His). This variant is present in population databases (rs754059546, gnomAD 0.003%). This variant has not been reported in the literature in individuals affected with DEPDC5-related conditions. ClinVar contains an entry for this variant (Variation ID: 640021). Experimental studies and prediction algorithms are not available or were not evaluated, and the functional significance of this variant is currently unknown. In summary, the available evidence is currently insufficient to determine the role of this variant in disease. Therefore, it has been classified as a Variant of Uncertain Significance.

Blueprint Genetics
Classification: Uncertain significance. Last evaluated: 2024-05-06. Review status: criteria provided, single submitter. Criteria: ACMG Guidelines, 2015. Collection method: clinical testing. Allele origin: germline.